The following is an entry in ClinVar:

NM_001184.4(ATR):c.7689G>A (p.Val2563=)

Gene: ATR (ATR checkpoint kinase; minus strand). Cytogenetic location: 3q23.
Variant type: single nucleotide variant.
Coding change: c.7689G>A on transcript NM_001184.4 (MANE Select); coding-DNA position 7689, G replaced by A.
Protein change: p.Val2563=; no amino-acid change (valine 2563 retained).
Molecular consequence: synonymous variant.
Genome position (GRCh38, 1-based): chr3:142,453,200, C>T on the plus strand (G>A on the coding strand, the complement: ATR is on the minus strand). VCF-style: chr3-142453200-C-T. GRCh37 (hg19) VCF-style: chr3-142172042-C-T.
Other names: c.7497G>A, p.Val2499= (NM_001354579.2).
Identifiers: ClinVar variation 1003198 (VCV001003198.8), dbSNP rs765380657, ClinGen allele CA2649076.

ClinVar aggregate classification (germline): Uncertain significance (1 of 4 stars; one submission).

Allele frequency attached by ClinVar (database versions not stated): ExAC 0.00001; gnomAD 0.00001; gnomAD exomes 0.00001; TOPMed 0.00001.
gnomAD v4.1: 17 of 1,613,380 alleles (0.0011%); highest among the groups gnomAD compares: Non-Finnish European, 0.0014%; no homozygotes.

Submission:

Labcorp Genetics (formerly Invitae), Labcorp
Classification: Uncertain significance. Last evaluated: 2020-08-06. Review status: criteria provided, single submitter. Criteria: Invitae Variant Classification Sherloc (09022015). Collection method: clinical testing. Allele origin: germline.
Comment: This variant has not been reported in the literature in individuals with ATR-related conditions. This variant is present in population databases (rs765380657, ExAC 0.01%). This sequence change affects codon 2563 of the ATR mRNA. It is a 'silent' change, meaning that it does not change the encoded amino acid sequence of the ATR protein. Algorithms developed to predict the effect of sequence changes on RNA splicing suggest that this variant may create or strengthen a splice site, but this prediction has not been confirmed by published transcriptional studies. In summary, the available evidence is currently insufficient to determine the role of this variant in disease. Therefore, it has been classified as a Variant of Uncertain Significance.